The following is an entry in ClinVar:

ClinVar aggregate classification (germline): Pathogenic (1 of 4 stars; one submission).

Conditions:
Neuromuscular disease caused by qualitative or quantitative defects of dysferlin. Also called: Qualitative or quantitative defects of dysferlin; Dysferlinopathy. Identifiers: Orphanet 207073, MedGen C2931687, MONDO:0016145.

Submission:

Labcorp Genetics (formerly Invitae), Labcorp
Classification: Pathogenic for Neuromuscular disease caused by qualitative or quantitative defects of dysferlin. Last evaluated: 2022-08-23. Review status: criteria provided, single submitter. Criteria: Invitae Variant Classification Sherloc (09022015). Collection method: clinical testing. Allele origin: germline.
Comment: For these reasons, this variant has been classified as Pathogenic. ClinVar contains an entry for this variant (Variation ID: 1400441). This variant has not been reported in the literature in individuals affected with DYSF-related conditions. This variant is not present in population databases (gnomAD no frequency). This sequence change creates a premature translational stop signal (p.Pro134Leufs*13) in the DYSF gene. It is expected to result in an absent or disrupted protein product. Loss-of-function variants in DYSF are known to be pathogenic (PMID: 17698709, 20301480).

Literature cited by the submitters: PubMed 17698709; PubMed 20301480.

NM_001130987.2(DYSF):c.404_416del (p.Pro135fs)

Gene: DYSF (dysferlin; plus strand). Cytogenetic location: 2p13.2.
Variant type: Deletion.
Coding change: c.404_416del on transcript NM_001130987.2 (MANE Select); coding-DNA positions 404 to 416, 13 bases deleted (CGCCCCCTACTCC).
Protein change: p.Pro135fs; shifts the reading frame from proline 135.
Molecular consequence: frameshift variant.
Genome position (GRCh38, 1-based): chr2:71,511,865-71,511,877, CGCCCCCTACTCC deleted; deleting any 13 consecutive bases within chr2:71,511,862-71,511,877 gives the same sequence; the c. name uses the placement nearest the transcript's 3' end. VCF-style (leftmost placement, unchanged base first): chr2-71511861-TTCCCGCCCCCTAC-T. GRCh37 (hg19) VCF-style: chr2-71738991-TTCCCGCCCCCTAC-T.
Other names: c.404_416del, p.Pro135fs (NM_001130455.2, NM_001130982.2, NM_001130983.2 and 3 more transcripts); c.401_413del, p.Pro134fs (NM_001130976.2, NM_001130977.2, NM_001130978.2 and 4 more transcripts); short protein forms P134fs, P135fs.
Identifiers: ClinVar variation 1400441 (VCV001400441.6), dbSNP rs2152728683, ClinGen allele CA2573135840.